The following is an entry in ClinVar:

NM_014159.7(SETD2):c.6329T>C (p.Ile2110Thr)

Gene: SETD2 (SET domain containing 2, histone lysine methyltransferase; minus strand). Cytogenetic location: 3p21.31.
Variant type: single nucleotide variant.
Coding change: c.6329T>C on transcript NM_014159.7 (MANE Select); coding-DNA position 6329, T replaced by C.
Protein change: p.Ile2110Thr; replaces isoleucine 2110 with threonine.
Molecular consequence: missense variant. On other transcripts: non-coding transcript variant (1).
Genome position (GRCh38, 1-based): chr3:47,057,455, A>G on the plus strand (T>C on the coding strand, the complement: SETD2 is on the minus strand). VCF-style: chr3-47057455-A-G. GRCh37 (hg19) VCF-style: chr3-47098945-A-G.
Other names: c.6197T>C, p.Ile2066Thr (NM_001349370.3); short protein forms I2066T, I2110T.
Identifiers: ClinVar variation 2663564 (VCV002663564.1), dbSNP rs2545462541, ClinGen allele CA352521713.

ClinVar aggregate classification (germline): Uncertain significance (1 of 4 stars; one submission).

Submission:

GeneDx
Classification: Uncertain significance. Last evaluated: 2023-05-08. Review status: criteria provided, single submitter. Criteria: GeneDx Variant Classification Process June 2021. Collection method: clinical testing. Allele origin: germline. Affected: yes.
Comment: Not observed at significant frequency in large population cohorts (gnomAD); In silico analysis supports that this missense variant does not alter protein structure/function; Has not been previously published as pathogenic or benign to our knowledge